The following is an entry in ClinVar:

NM_002691.4(POLD1):c.245C>T (p.Pro82Leu)

Gene: POLD1 (DNA polymerase delta 1, catalytic subunit; plus strand). Cytogenetic location: 19q13.33.
Variant type: single nucleotide variant.
Coding change: c.245C>T on transcript NM_002691.4 (MANE Select); coding-DNA position 245, C replaced by T.
Protein change: p.Pro82Leu; replaces proline 82 with leucine.
Molecular consequence: missense variant. On other transcripts: non-coding transcript variant (1).
Genome position (GRCh38, 1-based): chr19:50,399,413, C>T. VCF-style: chr19-50399413-C-T. GRCh37 (hg19) VCF-style: chr19-50902670-C-T.
Other names: c.245C>T, p.Pro82Leu (NM_001256849.1, NM_001308632.1); short protein forms P82L.
Identifiers: ClinVar variation 239294 (VCV000239294.32), dbSNP rs201006221, ClinGen allele CA9595662.
Genomic context (GRCh38, chr19:50,399,413, plus strand): 5'-CTTCCCTTCCCCCACCAGGGCAGGTCCCACCATCAGCCATAGATCCTCGCTGGCTTCGGC[C>T]CACACCACCAGCGCTGGACCCCCAGACAGAGCCCCTCATCTTCCAACAGTTGGAGATTGA-3'
Protein context (NP_002682.2, residues 72-92): PSAIDPRWLR[Pro82Leu]TPPALDPQTE

ClinVar aggregate classification (germline): Uncertain significance. Review status: criteria provided, multiple submitters, no conflicts (2 of 4 stars). 8 submissions from 8 submitters: Uncertain significance (7). 1 of the submissions does not count toward it. Last evaluated 2026-01-08.

Conditions:
POLD1-related disorder. Also called: POLD1-related condition; POLD1-related disorders.
POLD1-related polyposis and colorectal cancer syndrome (CRCS10). Also called: COLORECTAL CANCER, SUSCEPTIBILITY TO, ON CHROMOSOME 19q; Colorectal cancer 10; Colorectal cancer, susceptibility to, 10. Identifiers: Orphanet 220460, MedGen C2675481, MONDO:0012953, OMIM 612591.
Mandibular hypoplasia-deafness-progeroid syndrome. Also called: Mandibular hypoplasia, deafness, progeroid features, and lipodystrophy syndrome. Identifiers: Orphanet 363649, MedGen C3715192, MONDO:0014157, OMIM 615381.
Hereditary cancer-predisposing syndrome. Also called: Hereditary Cancer Syndrome; Neoplastic Syndromes, Hereditary; Hereditary neoplastic syndrome; Tumor predisposition. Identifiers: Orphanet 140162, MedGen C0027672, MeSH D009386, MONDO:0015356.

Allele frequency attached by ClinVar (database versions not stated): gnomAD 0.00005 and 0.00006; TOPMed 0.00005; ExAC 0.00016.
gnomAD v4.1: 188 of 1,614,078 alleles (0.012%); highest among the groups gnomAD compares: Admixed American, 0.02%; no homozygotes.

Submissions (8):

Labcorp Genetics (formerly Invitae), Labcorp
Classification: Uncertain significance for POLD1-related polyposis and colorectal cancer syndrome. Last evaluated: 2026-01-08. Review status: criteria provided, single submitter. Criteria: Invitae Variant Classification Sherloc (09022015). Collection method: clinical testing. Allele origin: germline.
Comment: This sequence change replaces proline, which is neutral and non-polar, with leucine, which is neutral and non-polar, at codon 82 of the POLD1 protein (p.Pro82Leu). This variant is present in population databases (rs201006221, gnomAD 0.02%). This missense change has been observed in individual(s) with attenuated colorectal polyposis (PMID: 25529843). ClinVar contains an entry for this variant (Variation ID: 239294). Invitae Evidence Modeling of protein sequence and biophysical properties (such as structural, functional, and spatial information, amino acid conservation, physicochemical variation, residue mobility, and thermodynamic stability) indicates that this missense variant is not expected to disrupt POLD1 protein function with a negative predictive value of 80%. In summary, the available evidence is currently insufficient to determine the role of this variant in disease. Therefore, it has been classified as a Variant of Uncertain Significance.

PreventionGenetics, part of Exact Sciences
Classification: Uncertain significance for POLD1-related condition. Last evaluated: 2025-08-26. Review status: criteria provided, single submitter. Criteria: ACMG Guidelines, 2015. Collection method: clinical testing. Allele origin: germline.
Comment: The POLD1 c.245C>T variant is predicted to result in the amino acid substitution p.Pro82Leu. This variant has been reported in one individual with attenuated polyposis phenotype with no family history of cancer; but no parental DNA was available for segregation analysis (Spier et al. 2015. PubMed ID: 25529843). However, the authors predicted that p.Pro82Leu can affect the exonuclease activity of POLD1, since the binding of exonuclease domain to the N-terminal domain is conveyed by the proximal Arg81 residue. This variant has also been reported as a variant of uncertain significance in a study of dyslipidemias (Dron et al. 2020. PubMed ID: 32041611). This variant is reported in 0.019% of alleles in individuals of European (Non-Finnish) descent in gnomAD and has been classified as uncertain in the ClinVar database (Variation ID: 239294). At this time, the clinical significance of this variant is uncertain due to the absence of conclusive functional and genetic evidence.

GeneDx
Classification: Uncertain significance. Last evaluated: 2024-10-04. Review status: criteria provided, single submitter. Criteria: GeneDx Variant Classification Process June 2021. Collection method: clinical testing. Allele origin: germline. Affected: yes.
Comment: In silico analysis supports that this missense variant has a deleterious effect on protein structure/function; Observed in an individual with a personal history of attenuated polyposis (PMID: 25529843); This variant is associated with the following publications: (PMID: 29120461, 32041611, 25529843)

Ambry Genetics
Classification: Uncertain significance for Hereditary cancer-predisposing syndrome. Last evaluated: 2024-09-06. Review status: criteria provided, single submitter. Criteria: Ambry Variant Classification Scheme 2023. Collection method: clinical testing. Allele origin: germline.
Comment: The p.P82L variant (also known as c.245C>T), located in coding exon 2 of the POLD1 gene, results from a C to T substitution at nucleotide position 245. The proline at codon 82 is replaced by leucine, an amino acid with similar properties. This amino acid position is highly conserved in available vertebrate species. In addition, this alteration is predicted to be tolerated by in silico analysis. Based on the available evidence, the clinical significance of this variant remains unclear.

Fulgent Genetics
Classification: Uncertain significance for POLD1-related polyposis and colorectal cancer syndrome; Mandibular hypoplasia-deafness-progeroid syndrome. Last evaluated: 2021-08-31. Review status: criteria provided, single submitter. Criteria: ACMG Guidelines, 2015. Collection method: clinical testing. Allele origin: unknown.

Sema4
Classification: Uncertain significance for Hereditary cancer-predisposing syndrome. Last evaluated: 2021-04-23. Review status: criteria provided, single submitter. Criteria: Sema4 Curation Guidelines. Collection method: curation. Allele origin: germline.
Comment: The POLD1 c.245C>T (p.P82L) missense variant has been reported in heterozygosity in at least 1 individuals with colorectal adenomatous polyposis (PMID: 25529843). This variant was observed in 22/113706 chromosomes in the European Non-Finnish population, with 0 homozygotes, in the large and broad cohorts of the Genome Aggregation Database (PMID: 32461654).The variant has been reported in ClinVar (Variation ID: 239294). In silico tools suggest the impact of the variant on protein function is inconclusive, though these predictions have not been confirmed by functional studies. The evidence is insufficient to meet ACMG/AMP criteria for classifying the variant as benign or pathogenic. Thus, the clinical significance of this variant is currently uncertain.

Quest Diagnostics Nichols Institute San Juan Capistrano
Classification: Uncertain significance. Last evaluated: 2019-03-24. Review status: criteria provided, single submitter. Criteria: Quest Diagnostics criteria. Collection method: clinical testing. Allele origin: germline.

Counsyl
Classification: Uncertain significance for POLD1-related polyposis and colorectal cancer syndrome. Last evaluated: 2017-04-04. Review status: no assertion criteria provided. Collection method: clinical testing. Allele origin: unknown. Not counted in ClinVar's aggregate classification.

Literature cited by the submitters: PubMed 25529843 (cited by 4 submitters).